The following is an entry in ClinVar:

ClinVar aggregate classification (germline): Conflicting classifications of pathogenicity. Review status: criteria provided, conflicting classifications (1 of 4 stars). 6 submissions from 6 submitters: Likely pathogenic (1); Uncertain significance (1). 4 of the submissions do not count toward it. Last evaluated 2024-10-09.

Conditions:
IL36RN-related disorders.
IL36RN-related disorder. Also called: IL36RN-related condition.
Acrodermatitis continua suppurativa of Hallopeau (PSORS14). Also called: Psoriasis 14, pustular; INTERLEUKIN 36 RECEPTOR ANTAGONIST DEFICIENCY; ACRODERMATITIS CONTINUA OF HALLOPEAU. Identifiers: Orphanet 163931, MedGen C0392439, MONDO:0013626, OMIM 614204.
Generalized pustular psoriasis. Identifiers: Orphanet 247353, MedGen C0343055, MONDO:0100491.

Allele frequency attached by ClinVar (database versions not stated): gnomAD 0.00010; TOPMed 0.00011; gnomAD exomes 0.00027; ExAC 0.00039; ESP Exome Variant Server 0.00008.
gnomAD v4.1: 235 of 1,613,950 alleles (0.015%); highest among the groups gnomAD compares: Middle Eastern, 0.016%; no homozygotes.

Submissions (6):

Blueprint Genetics
Classification: Likely pathogenic for IL36RN-related disorders. Last evaluated: 2024-10-09. Review status: criteria provided, single submitter. Criteria: ACMG Guidelines, 2015. Collection method: clinical testing. Allele origin: germline. Affected: yes. Observed: 5 variant alleles.

Labcorp Genetics (formerly Invitae), Labcorp
Classification: Uncertain significance for Generalized pustular psoriasis. Last evaluated: 2022-08-10. Review status: criteria provided, single submitter. Criteria: Invitae Variant Classification Sherloc (09022015). Collection method: clinical testing. Allele origin: germline.
Comment: This sequence change replaces arginine, which is basic and polar, with tryptophan, which is neutral and slightly polar, at codon 48 of the IL36RN protein (p.Arg48Trp). This variant is present in population databases (rs151325121, gnomAD 0.08%). This missense change has been observed in individual(s) with IL36RN-related conditions (PMID: 21839423, 23358093, 23648549, 29665114). ClinVar contains an entry for this variant (Variation ID: 30491). Algorithms developed to predict the effect of missense changes on protein structure and function (SIFT, PolyPhen-2, Align-GVGD) all suggest that this variant is likely to be disruptive. Experimental studies have shown that this missense change affects IL36RN function (PMID: 27220475). In summary, the available evidence is currently insufficient to determine the role of this variant in disease. Therefore, it has been classified as a Variant of Uncertain Significance.

PreventionGenetics, part of Exact Sciences
Classification: Uncertain significance for IL36RN-related condition. Last evaluated: 2024-05-14. Review status: no assertion criteria provided. Collection method: clinical testing. Allele origin: germline. Not counted in ClinVar's aggregate classification.
Comment: The IL36RN c.142C>T variant is predicted to result in the amino acid substitution p.Arg48Trp. This variant has been reported in the compound heterozygous state in individuals with generalized pustular psoriasis (Onoufriadis et al. 2011. PubMed ID: 21839423; Körber et al. 2013. PubMed ID: 23648549; Kinoshita et al. 2018. PubMed ID: 29665114). It has also been described as a single heterozygous variant in individuals with acute generalized exanthematous pustulosis or acrodermatitis continua of Hallopeau (Navarini et al. 2013. PubMed ID: 23358093; Haskamp et al. 2022. PubMed ID: 34973310). In vitro experimental studies suggest this variant impacts protein function (Tauber et al. 2016. PubMed ID: 27220475; Hassi et al. 2023. PubMed ID: 37414245). This variant is reported in 0.088% of alleles in individuals of European (Finnish) descent in gnomAD. Another nucleotide change affecting this amino acid (p.Arg48Gln) has also been reported in an individual with generalized pustular psoriasis (Salik et al. 2021. PubMed ID: 33729564). Although we suspect that this variant may be pathogenic, at this time, the clinical significance of this variant is uncertain due to the absence of conclusive functional and genetic evidence.

OMIM
Classification: Pathogenic for PSORIASIS 14, PUSTULAR. Last evaluated: 2011-09-09. Review status: no assertion criteria provided. Collection method: literature only. Allele origin: germline. Not counted in ClinVar's aggregate classification.

Clinical Genetics DNA and cytogenetics Diagnostics Lab, Erasmus MC, Erasmus Medical Center
Classification: Pathogenic. Review status: no assertion criteria provided. Collection method: clinical testing. Allele origin: germline. Affected: yes. Study: VKGL Data-share Consensus. Not counted in ClinVar's aggregate classification.

Genome Diagnostics Laboratory, University Medical Center Utrecht
Classification: Pathogenic. Review status: no assertion criteria provided. Collection method: clinical testing. Allele origin: germline. Affected: yes. Study: VKGL Data-share Consensus. Not counted in ClinVar's aggregate classification.

Literature cited by the submitters: PubMed 21839423 (cited by Labcorp Genetics (formerly Invitae), Labcorp and OMIM); PubMed 23358093 (cited by Labcorp Genetics (formerly Invitae), Labcorp); PubMed 23648549 (cited by Labcorp Genetics (formerly Invitae), Labcorp); PubMed 29665114 (cited by Labcorp Genetics (formerly Invitae), Labcorp); PubMed 27220475 (cited by Labcorp Genetics (formerly Invitae), Labcorp).

NM_012275.3(IL36RN):c.142C>T (p.Arg48Trp)

Gene: IL36RN (interleukin 36 receptor antagonist; plus strand). Cytogenetic location: 2q14.1.
Variant type: single nucleotide variant.
Coding change: c.142C>T on transcript NM_012275.3 (MANE Select); coding-DNA position 142, C replaced by T.
Protein change: p.Arg48Trp; replaces arginine 48 with tryptophan.
Molecular consequence: missense variant.
Genome position (GRCh38, 1-based): chr2:113,062,150, C>T. VCF-style: chr2-113062150-C-T. GRCh37 (hg19) VCF-style: chr2-113819727-C-T.
Other names: c.142C>T, p.Arg48Trp (NM_173170.1); short protein forms R48W.
Identifiers: ClinVar variation 30491 (VCV000030491.13), dbSNP rs151325121, ClinGen allele CA129274.
Genomic context (GRCh38, chr2:113,062,150, plus strand): 5'-ATCCAGGGCCCTGCATCTGGCCTCTTTCCCACAGGTGAAGAGATCAGCGTGGTCCCCAAT[C>T]GGTGGCTGGATGCCAGCCTGTCCCCCGTCATCCTGGGTGTCCAGGGTGGAAGCCAGTGCC-3'
Protein context (NP_036407.1, residues 38-58): KGEEISVVPN[Arg48Trp]WLDASLSPVI